The following is an entry in ClinVar:

NM_000322.5(PRPH2):c.690C>G (p.Asn230Lys)

Gene: PRPH2 (peripherin 2; minus strand). Cytogenetic location: 6p21.1.
Variant type: single nucleotide variant.
Coding change: c.690C>G on transcript NM_000322.5 (MANE Select); coding-DNA position 690, C replaced by G.
Protein change: p.Asn230Lys; replaces asparagine 230 with lysine.
Molecular consequence: missense variant.
Genome position (GRCh38, 1-based): chr6:42,704,503, G>C on the plus strand (C>G on the coding strand, the complement: PRPH2 is on the minus strand). VCF-style: chr6-42704503-G-C. GRCh37 (hg19) VCF-style: chr6-42672241-G-C.
Other names: short protein forms N230K.
Identifiers: ClinVar variation 1175268 (VCV001175268.2), dbSNP rs1800113439, ClinGen allele CA364135295.

ClinVar aggregate classification (germline): Uncertain significance. Review status: criteria provided, single submitter (1 of 4 stars). 2 submissions from 2 submitters: Uncertain significance (1). 1 of the submissions does not count toward it. Last evaluated 2023-10-01.

Conditions:
Retinal dystrophy. Also called: Inherited retinal dystrophy. Identifiers: Orphanet 71862, MedGen C0854723, MeSH D058499, MONDO:0019118, HP:0000556.

gnomAD v4.1: 7 of 1,614,224 alleles (0.00043%); highest among the groups gnomAD compares: East Asian, 0.016%; no homozygotes.

Submissions (2):

Dept Of Ophthalmology, Nagoya University
Classification: Uncertain significance for Retinal dystrophy. Last evaluated: 2023-10-01. Review status: criteria provided, single submitter. Criteria: Submitter's publication. Collection method: research. Allele origin: germline. Affected: yes.

Leiden Open Variation Database
Classification: Uncertain significance. Last evaluated: 2019-07-24. Review status: no assertion criteria provided. Collection method: curation. Allele origin: germline. Affected: yes. Not counted in ClinVar's aggregate classification.
Comment: Curator: Global Variome, with Curator vacancy. Submitter to LOVD: Yoshito Koyanagi.

Literature cited by the submitters: PubMed 31213501 (cited by Leiden Open Variation Database).